The following is an entry in ClinVar:

ClinVar aggregate classification (germline): Pathogenic (1 of 4 stars; one submission).

Submission:

Labcorp Genetics (formerly Invitae), Labcorp
Classification: Pathogenic. Last evaluated: 2021-08-12. Review status: criteria provided, single submitter. Criteria: Invitae Variant Classification Sherloc (09022015). Collection method: clinical testing. Allele origin: germline.
Comment: This variant is a gross deletion of the genomic region encompassing exon(s) 3 of the SMARCB1 gene. This deletion is out-of-frame, and is expected to create a premature termination codon and result in an absent or disrupted protein product. Loss-of-function variants in SMARCB1 are known to be pathogenic (PMID: 10521299, 21208904). This variant has not been reported in the literature in individuals affected with SMARCB1-related conditions. For these reasons, this variant has been classified as Pathogenic.

Literature cited by the submitters: PubMed 10521299; PubMed 21208904.

NC_000022.10:g.(?_24135736)_(24135885_?)del

Gene: SMARCB1 (SWI/SNF related BAF chromatin remodeling complex subunit B1; plus strand). Cytogenetic location: 22q11.23.
Variant type: Deletion.
Identifiers: ClinVar variation 2424623 (VCV002424623.3).